The following is an entry in ClinVar:

ClinVar aggregate classification (germline): Likely benign. Review status: criteria provided, multiple submitters, no conflicts (2 of 4 stars). 4 submissions from 4 submitters: Likely benign (3). 1 of the submissions does not count toward it. Last evaluated 2025-09-01.

Conditions:
CIC-related disorder. Also called: CIC-related condition.
Inborn genetic diseases. Identifiers: MedGen C0950123, MeSH D030342.

Allele frequency attached by ClinVar (database versions not stated): gnomAD exomes 0.00003 and 0.00008; ExAC 0.00008; ESP Exome Variant Server 0.00031; gnomAD 0.00045 and 0.00049; TOPMed 0.00048.
gnomAD v4.1: 113 of 1,613,318 alleles (0.007%); highest among the groups gnomAD compares: African/African-American, 0.14%; no homozygotes.

Submissions (4):

CeGaT Center for Human Genetics Tuebingen
Classification: Likely benign. Last evaluated: 2025-09-01. Review status: criteria provided, single submitter. Criteria: CeGaT Center For Human Genetics Tuebingen Variant Classification Criteria Version 2. Collection method: clinical testing. Allele origin: germline. Affected: yes. Observed: 1 variant allele.
Comment: CIC: BP4, BS1

Ambry Genetics
Classification: Likely benign for Inborn genetic diseases. Last evaluated: 2021-07-26. Review status: criteria provided, single submitter. Criteria: Ambry Variant Classification Scheme 2023. Collection method: clinical testing. Allele origin: germline.

Labcorp Genetics (formerly Invitae), Labcorp
Classification: Likely benign. Last evaluated: 2018-07-13. Review status: criteria provided, single submitter. Criteria: Invitae Variant Classification Sherloc (09022015). Collection method: clinical testing. Allele origin: germline.

PreventionGenetics, part of Exact Sciences
Classification: Likely benign for CIC-related condition. Last evaluated: 2022-02-09. Review status: no assertion criteria provided. Collection method: clinical testing. Allele origin: germline. Not counted in ClinVar's aggregate classification.
Comment: This variant is classified as likely benign based on ACMG/AMP sequence variant interpretation guidelines (Richards et al. 2015 PMID: 25741868, with internal and published modifications).

NM_001386298.1(CIC):c.4468C>T (p.Pro1490Ser)

Gene: CIC (capicua transcriptional repressor; plus strand). Cytogenetic location: 19q13.2.
Variant type: single nucleotide variant.
Coding change: c.4468C>T on transcript NM_001386298.1 (MANE Select); coding-DNA position 4468, C replaced by T.
Protein change: p.Pro1490Ser; replaces proline 1490 with serine.
Molecular consequence: missense variant.
Genome position (GRCh38, 1-based): chr19:42,290,509, C>T. VCF-style: chr19-42290509-C-T. GRCh37 (hg19) VCF-style: chr19-42794661-C-T.
Other names: c.4468C>T, p.Pro1490Ser (NM_001304815.2, NM_001379480.1, NM_001379482.1); c.1741C>T, p.Pro581Ser (NM_001379484.1, NM_001379485.1, NM_015125.5); c.1741C>T (NM_015125.3); short protein forms P1490S, P581S.
Identifiers: ClinVar variation 754471 (VCV000754471.14), dbSNP rs201342979, ClinGen allele CA9472094.